The following is an entry in ClinVar:

ClinVar aggregate classification (germline): Uncertain significance (1 of 4 stars; one submission).

Conditions:
Dystonia 12 (DYT12). Also called: DYT-ATP1A3; Rapid-Onset Dystonia-Parkinsonism (RDP). Identifiers: Orphanet 71517, MedGen C1868681, MONDO:0007496, OMIM 128235.

Allele frequency attached by ClinVar (database versions not stated): gnomAD exomes below 0.00001.

Submission:

Labcorp Genetics (formerly Invitae), Labcorp
Classification: Uncertain significance for Dystonia 12. Last evaluated: 2019-08-14. Review status: criteria provided, single submitter. Criteria: Invitae Variant Classification Sherloc (09022015). Collection method: clinical testing. Allele origin: germline.
Comment: In summary, the available evidence is currently insufficient to determine the role of this variant in disease. Therefore, it has been classified as a Variant of Uncertain Significance. Algorithms developed to predict the effect of missense changes on protein structure and function are either unavailable or do not agree on the potential impact of this missense change (SIFT: "Deleterious"; PolyPhen-2: "Benign"; Align-GVGD: "Class C0"). This variant has been observed in one or more individuals who were not affected with ATP1A3-related disease (Invitae). This variant is not present in population databases (ExAC no frequency). This sequence change replaces histidine with tyrosine at codon 280 of the ATP1A3 protein (p.His280Tyr). The histidine residue is highly conserved and there is a moderate physicochemical difference between histidine and tyrosine.

NM_152296.5(ATP1A3):c.838C>T (p.His280Tyr)

Gene: ATP1A3 (ATPase Na+/K+ transporting subunit alpha 3; minus strand). Cytogenetic location: 19q13.2.
Variant type: single nucleotide variant.
Coding change: c.838C>T on transcript NM_152296.5 (MANE Select); coding-DNA position 838, C replaced by T.
Protein change: p.His280Tyr; replaces histidine 280 with tyrosine.
Molecular consequence: missense variant.
Genome position (GRCh38, 1-based): chr19:41,985,073, G>A on the plus strand (C>T on the coding strand, the complement: ATP1A3 is on the minus strand). VCF-style: chr19-41985073-G-A. GRCh37 (hg19) VCF-style: chr19-42489225-G-A.
Other names: c.871C>T, p.His291Tyr (NM_001256213.2); c.877C>T, p.His293Tyr (NM_001256214.2); short protein forms H293Y, H280Y, H291Y.
Identifiers: ClinVar variation 945993 (VCV000945993.8), dbSNP rs2075273663, ClinGen allele CA406052863.